The following is an entry in ClinVar:

ClinVar aggregate classification (germline): Uncertain significance (1 of 4 stars; one submission).

Submission:

Labcorp Genetics (formerly Invitae), Labcorp
Classification: Uncertain significance. Last evaluated: 2026-01-24. Review status: criteria provided, single submitter. Criteria: Invitae Variant Classification Sherloc (09022015). Collection method: clinical testing. Allele origin: germline.
Comment: This sequence change affects a splice site in intron 25 of the COL9A2 gene. Variants that disrupt the donor or acceptor splice site typically lead to a loss of protein function (PMID:16199547), however it is unknown whether splice variants in this region will result in a loss of function. Information on the frequency of this variant in the gnomAD database is not available, as this variant may be reported differently in the database. This variant has not been reported in the literature in individuals affected with COL9A2-related conditions. In summary, the available evidence is currently insufficient to determine the role of this variant in disease. Therefore, it has been classified as a Variant of Uncertain Significance.

Literature cited by the submitters: PubMed 16199547.

NM_001852.4(COL9A2):c.1324-2_1324-1delinsCC

Gene: COL9A2 (collagen type IX alpha 2 chain; minus strand). Cytogenetic location: 1p34.2.
Variant type: Indel.
Coding change: c.1324-2_1324-1delinsCC on transcript NM_001852.4 (MANE Select); the canonical splice acceptor site of the intron before coding-DNA position 1324, AG replaced by CC.
Molecular consequence: splice acceptor variant.
Genome position (GRCh38, 1-based): chr1:40,303,973-40,303,974, CT replaced by GG on the plus strand (AG replaced by CC on the coding strand, the reverse complement: COL9A2 is on the minus strand). VCF-style: chr1-40303973-CT-GG. GRCh37 (hg19) VCF-style: chr1-40769645-CT-GG.
Identifiers: ClinVar variation 4736084 (VCV004736084.1).